The following is an entry in ClinVar:

NM_018834.6(MATR3):c.1602+5_1602+13del

Gene: MATR3 (matrin 3; plus strand). Cytogenetic location: 5q31.2.
Variant type: Deletion.
Coding change: c.1602+5_1602+13del on transcript NM_018834.6 (MANE Select); bases 5 to 13 of the intron after coding-DNA position 1602, 9 bases deleted (TATACATAA; older notation c.1602+5_1602+13delTATACATAA).
Molecular consequence: splice donor variant.
Genome position (GRCh38, 1-based): chr5:139,319,506-139,319,514, TATACATAA deleted; deleting any 9 consecutive bases within chr5:139,319,503-139,319,514 gives the same sequence; the c. name uses the placement nearest the transcript's 3' end. VCF-style (leftmost placement, unchanged base first): chr5-139319502-GTAATATACA-G. GRCh37 (hg19) VCF-style: chr5-138655191-GTAATATACA-G.
Other names: c.1602+5_1602+13del (NM_001400451.1, NM_001400450.1, NM_001400441.1 and 16 more transcripts); c.741+5_741+13del (NM_001400459.1); c.588+5_588+13del (NM_001400463.1, NM_001400460.1, NM_001282278.2 and 5 more transcripts); c.702+5_702+13del (NM_001400461.1); c.738+5_738+13del (NM_001194956.2).
Identifiers: ClinVar variation 4726018 (VCV004726018.1).

ClinVar aggregate classification (germline): Uncertain significance (1 of 4 stars; one submission).

Conditions:
Amyotrophic lateral sclerosis type 21. Also called: VOCAL CORD AND PHARYNGEAL DYSFUNCTION WITH DISTAL MYOPATHY; MYOPATHY, DISTAL, 2. Identifiers: Orphanet 600, Orphanet 803, MedGen C3807521, MONDO:0011632, OMIM 606070.

Submission:

Labcorp Genetics (formerly Invitae), Labcorp
Classification: Uncertain significance for Amyotrophic lateral sclerosis type 21. Last evaluated: 2025-08-25. Review status: criteria provided, single submitter. Criteria: Invitae Variant Classification Sherloc (09022015). Collection method: clinical testing. Allele origin: germline.
Comment: This sequence change falls in intron 12 of the MATR3 gene. It does not directly change the encoded amino acid sequence of the MATR3 protein. It affects a nucleotide within the consensus splice site. This variant is not present in population databases (gnomAD no frequency). This variant has not been reported in the literature in individuals affected with MATR3-related conditions. Variants that disrupt the consensus splice site are a relatively common cause of aberrant splicing (PMID: 17576681, 9536098). Algorithms developed to predict the effect of sequence changes on RNA splicing suggest that this variant is not likely to affect RNA splicing. In summary, the available evidence is currently insufficient to determine the role of this variant in disease. Therefore, it has been classified as a Variant of Uncertain Significance.

Literature cited by the submitters: PubMed 17576681; PubMed 9536098.